The following is an entry in ClinVar:

NM_033004.4(NLRP1):c.622C>A (p.Leu208Met)

Gene: NLRP1 (NLR family pyrin domain containing 1; minus strand). Cytogenetic location: 17p13.2.
Variant type: single nucleotide variant.
Coding change: c.622C>A on transcript NM_033004.4 (MANE Select); coding-DNA position 622, C replaced by A.
Protein change: p.Leu208Met; replaces leucine 208 with methionine.
Molecular consequence: missense variant.
Genome position (GRCh38, 1-based): chr17:5,581,889, G>T on the plus strand (C>A on the coding strand, the complement: NLRP1 is on the minus strand). VCF-style: chr17-5581889-G-T. GRCh37 (hg19) VCF-style: chr17-5485209-G-T.
Other names: c.622C>A (NM_033004.3); c.622C>A, p.Leu208Met (NM_001033053.3, NM_014922.5, NM_033006.4 and 1 more transcripts); short protein forms L208M.
Identifiers: ClinVar variation 1515524 (VCV001515524.9), dbSNP rs753571228, ClinGen allele CA287291476.

ClinVar aggregate classification (germline): Uncertain significance. Review status: criteria provided, multiple submitters, no conflicts (2 of 4 stars). 2 submissions from 2 submitters: Uncertain significance (2). Last evaluated 2024-08-01.

Conditions:
Inborn genetic diseases. Identifiers: MedGen C0950123, MeSH D030342.

gnomAD v4.1: 8 of 1,613,060 alleles (0.0005%); highest among the groups gnomAD compares: Admixed American, 0.01%; no homozygotes.

Submissions (2):

Ambry Genetics
Classification: Uncertain significance for Inborn genetic diseases. Last evaluated: 2024-08-01. Review status: criteria provided, single submitter. Criteria: Ambry Variant Classification Scheme 2023. Collection method: clinical testing. Allele origin: germline.

Labcorp Genetics (formerly Invitae), Labcorp
Classification: Uncertain significance. Last evaluated: 2023-12-09. Review status: criteria provided, single submitter. Criteria: Invitae Variant Classification Sherloc (09022015). Collection method: clinical testing. Allele origin: germline.
Comment: This sequence change replaces leucine, which is neutral and non-polar, with methionine, which is neutral and non-polar, at codon 208 of the NLRP1 protein (p.Leu208Met). This variant is present in population databases (no rsID available, gnomAD 0.003%). This variant has not been reported in the literature in individuals affected with NLRP1-related conditions. ClinVar contains an entry for this variant (Variation ID: 1515524). Algorithms developed to predict the effect of missense changes on protein structure and function output the following: SIFT: "Not Available"; PolyPhen-2: "Benign"; Align-GVGD: "Not Available". The methionine amino acid residue is found in multiple mammalian species, which suggests that this missense change does not adversely affect protein function. In summary, the available evidence is currently insufficient to determine the role of this variant in disease. Therefore, it has been classified as a Variant of Uncertain Significance.